The following is an entry in ClinVar:

ClinVar aggregate classification (germline): Pathogenic (1 of 4 stars; one submission).

Conditions:
Hereditary factor VIII deficiency disease (HEMA). Also called: HEMOPHILIA, CLASSIC; AUTOSOMAL HEMOPHILIA A; Hemophilia A; Hemophilia A, congenital; HEM A; Factor 8 deficiency, congenital. Identifiers: Orphanet 98878, MedGen C0019069, MONDO:0010602, OMIM 306700.

Submission:

ARUP Laboratories, Molecular Genetics and Genomics, ARUP Laboratories
Classification: Pathogenic for Hereditary factor VIII deficiency disease. Last evaluated: 2021-01-22. Review status: criteria provided, single submitter. Criteria: ARUP Molecular Germline Variant Investigation Process 2021. Collection method: clinical testing. Allele origin: germline.
Comment: The F8 c.5449C>T; p.Gln1817Ter variant is reported in the literature in an individual affected with severe hemophilia A (Pinto 2016). This variant is only observed on one allele in the Genome Aggregation Database, indicating it is not a common polymorphism. This variant induces an early termination codon and is predicted to result in a truncated protein or mRNA subject to nonsense-mediated decay. Based on available information, this variant is considered to be pathogenic. References: Pinto P et al. F8 gene mutation profile in Indian hemophilia A patients: Identification of 23 novel mutations and factor VIII inhibitor risk association. Mutat Res. 2016 Apr;786:27-33.

NM_000132.4(F8):c.5449C>T (p.Gln1817Ter)

Gene: F8 (coagulation factor VIII; minus strand). Cytogenetic location: Xq28.
Variant type: single nucleotide variant.
Coding change: c.5449C>T on transcript NM_000132.4 (MANE Select); coding-DNA position 5449, C replaced by T.
Protein change: p.Gln1817Ter; replaces glutamine 1817 with a stop codon.
Molecular consequence: nonsense.
Genome position (GRCh38, 1-based): chrX:154,904,948, G>A on the plus strand (C>T on the coding strand, the complement: F8 is on the minus strand). VCF-style: chrX-154904948-G-A. GRCh37 (hg19) VCF-style: chrX-154133223-G-A.
Other names: short protein forms Q1817*.
Identifiers: ClinVar variation 1330820 (VCV001330820.7), dbSNP rs2123997982, ClinGen allele CA414908802.